The following is an entry in ClinVar:

ClinVar aggregate classification (germline): Pathogenic (1 of 4 stars; one submission).

Conditions:
Primary ciliary dyskinesia. Also called: Ciliary dyskinesia. Identifiers: Orphanet 244, MedGen C0008780, MONDO:0016575, HP:0012265.

Submission:

Labcorp Genetics (formerly Invitae), Labcorp
Classification: Pathogenic for Primary ciliary dyskinesia. Last evaluated: 2022-05-30. Review status: criteria provided, single submitter. Criteria: Invitae Variant Classification Sherloc (09022015). Collection method: clinical testing. Allele origin: germline.
Comment: For these reasons, this variant has been classified as Pathogenic. This variant has not been reported in the literature in individuals affected with DNAI2-related conditions. This variant is a gross deletion of the genomic region encompassing exon(s) 5-6 of the DNAI2 gene. This deletion is out-of-frame, and is expected to create a premature termination codon and result in an absent or disrupted protein product. Loss-of-function variants in DNAI2 are known to be pathogenic (PMID: 18950741, 23891469).

Literature cited by the submitters: PubMed 18950741; PubMed 23891469.

NC_000017.10:g.(?_72285723)_(72287282_?)del

Gene: DNAI2 (dynein axonemal intermediate chain 2; plus strand). Cytogenetic location: 17q25.1.
Variant type: Deletion.
Identifiers: ClinVar variation 1075525 (VCV001075525.3).